The following is an entry in ClinVar:

NM_001136472.2(LITAF):c.56C>T (p.Ala19Val)

Gene: LITAF (lipopolysaccharide induced TNF factor; minus strand). Cytogenetic location: 16p13.13.
Variant type: single nucleotide variant.
Coding change: c.56C>T on transcript NM_001136472.2 (MANE Select); coding-DNA position 56, C replaced by T.
Protein change: p.Ala19Val; replaces alanine 19 with valine.
Molecular consequence: missense variant. On other transcripts: non-coding transcript variant (1).
Genome position (GRCh38, 1-based): chr16:11,556,675, G>A on the plus strand (C>T on the coding strand, the complement: LITAF is on the minus strand). VCF-style: chr16-11556675-G-A. GRCh37 (hg19) VCF-style: chr16-11650531-G-A.
Other names: c.56C>T, p.Ala19Val (NM_001136473.1, NM_004862.4); short protein forms A19V.
Identifiers: ClinVar variation 1963051 (VCV001963051.5), dbSNP rs754044786, ClinGen allele CA7904190.

ClinVar aggregate classification (germline): Uncertain significance (1 of 4 stars; one submission).

Conditions:
Charcot-Marie-Tooth disease type 1C. Also called: CHARCOT-MARIE-TOOTH DISEASE, DEMYELINATING, TYPE 1C; CMT, SLOW NERVE CONDUCTION TYPE C; HMSN IC; CHARCOT-MARIE-TOOTH NEUROPATHY, TYPE 1C; NEUROPATHY, HEREDITARY MOTOR AND SENSORY, TYPE IC; Charcot-Marie-Tooth disease, type IC. Identifiers: Orphanet 101083, MedGen C0270913, MONDO:0010995, OMIM 601098.

Allele frequency attached by ClinVar (database versions not stated): gnomAD exomes below 0.00001; TOPMed below 0.00001; ExAC 0.00002.

Submission:

Labcorp Genetics (formerly Invitae), Labcorp
Classification: Uncertain significance for Charcot-Marie-Tooth disease type 1C. Last evaluated: 2022-05-09. Review status: criteria provided, single submitter. Criteria: Invitae Variant Classification Sherloc (09022015). Collection method: clinical testing. Allele origin: germline.
Comment: In summary, the available evidence is currently insufficient to determine the role of this variant in disease. Therefore, it has been classified as a Variant of Uncertain Significance. Algorithms developed to predict the effect of missense changes on protein structure and function are either unavailable or do not agree on the potential impact of this missense change (SIFT: "Deleterious"; PolyPhen-2: "Benign"; Align-GVGD: "Class C0"). This variant has not been reported in the literature in individuals affected with LITAF-related conditions. This variant is present in population databases (rs754044786, gnomAD 0.009%). This sequence change replaces alanine, which is neutral and non-polar, with valine, which is neutral and non-polar, at codon 19 of the LITAF protein (p.Ala19Val).